The following is an entry in ClinVar:

ClinVar aggregate classification (germline): Uncertain significance. Review status: criteria provided, multiple submitters, no conflicts (2 of 4 stars). 4 submissions from 4 submitters: Uncertain significance (4). Last evaluated 2024-12-10.

Allele frequency attached by ClinVar (database versions not stated): TOPMed 0.00003; gnomAD 0.00003.

Submissions (4):

Ambry Genetics
Classification: Uncertain significance. Last evaluated: 2024-12-10. Review status: criteria provided, single submitter. Criteria: Ambry Variant Classification Scheme 2023. Collection method: clinical testing. Allele origin: germline.

Labcorp Genetics (formerly Invitae), Labcorp
Classification: Uncertain significance. Last evaluated: 2024-04-29. Review status: criteria provided, single submitter. Criteria: Invitae Variant Classification Sherloc (09022015). Collection method: clinical testing. Allele origin: germline.
Comment: This sequence change replaces glutamic acid, which is acidic and polar, with glutamine, which is neutral and polar, at codon 249 of the KRT83 protein (p.Glu249Gln). This variant is present in population databases (rs553491257, gnomAD 0.01%). This variant has not been reported in the literature in individuals affected with KRT83-related conditions. ClinVar contains an entry for this variant (Variation ID: 426884). Advanced modeling of protein sequence and biophysical properties (such as structural, functional, and spatial information, amino acid conservation, physicochemical variation, residue mobility, and thermodynamic stability) performed at Invitae indicates that this missense variant is not expected to disrupt KRT83 protein function with a negative predictive value of 80%. In summary, the available evidence is currently insufficient to determine the role of this variant in disease. Therefore, it has been classified as a Variant of Uncertain Significance.

GeneDx
Classification: Uncertain significance. Last evaluated: 2017-03-29. Review status: criteria provided, single submitter. Criteria: GeneDx Variant Classification (06012015). Collection method: clinical testing. Allele origin: germline. Affected: yes.
Comment: The E249Q variant in the KRT83 gene has not been reported previously as a pathogenic variant, nor as a benign variant, to our knowledge. The E249Q variant is observed in 1/10404 (0.01%) alleles from individuals of African background in the ExAC dataset (Lek et al., 2016). The E249Q variant is a semi-conservative amino acid substitution, which may impact secondary protein structure as these residues differ in some properties. This substitution occurs at a position where amino acids with similar properties to Glutamic Acid are tolerated across species. In silico analysis is inconsistent in its predictions as to whether or not the variant is damaging to the protein structure/function. We interpret E249Q as a variant of uncertain significance.

Breakthrough Genomics
Classification: Uncertain significance. Review status: criteria provided, single submitter. Criteria: ACMG Guidelines, 2015. Collection method: not provided. Allele origin: germline. Inheritance: Autosomal recessive inheritance. Affected: yes.

NM_002282.3(KRT83):c.745G>C (p.Glu249Gln)

Gene: KRT83 (keratin 83; minus strand). Cytogenetic location: 12q13.13.
Variant type: single nucleotide variant.
Coding change: c.745G>C on transcript NM_002282.3 (MANE Select); coding-DNA position 745, G replaced by C.
Protein change: p.Glu249Gln; replaces glutamic acid 249 with glutamine.
Molecular consequence: missense variant.
Genome position (GRCh38, 1-based): chr12:52,317,686, C>G on the plus strand (G>C on the coding strand, the complement: KRT83 is on the minus strand). VCF-style: chr12-52317686-C-G. GRCh37 (hg19) VCF-style: chr12-52711470-C-G.
Other names: short protein forms E249Q.
Identifiers: ClinVar variation 426884 (VCV000426884.8), dbSNP rs553491257, ClinGen allele CA6577554.
Genomic context (GRCh38, chr12:52,317,686, plus strand): 5'-AGGGTCAGGGATCCCATGGGGGGATCTGTGCCCACCATGGTTGAGAGCCCCTCACCTCCT[C>G]GTACAGCCGCCTCAGGAAGTCAATCTCCTGGATCAGGGCCTCCACGTTGGCCTCCAGGTC-3'
Protein context (NP_002273.3, residues 239-259): QEIDFLRRLY[Glu249Gln]EEIRILQSHI